The following is an entry in ClinVar:

NM_080680.3(COL11A2):c.692G>A (p.Gly231Asp)

Gene: COL11A2 (collagen type XI alpha 2 chain; minus strand). Cytogenetic location: 6p21.32.
Variant type: single nucleotide variant.
Coding change: c.692G>A on transcript NM_080680.3 (MANE Select); coding-DNA position 692, G replaced by A.
Protein change: p.Gly231Asp; replaces glycine 231 with aspartic acid.
Molecular consequence: missense variant.
Genome position (GRCh38, 1-based): chr6:33,186,733, C>T on the plus strand (G>A on the coding strand, the complement: COL11A2 is on the minus strand). VCF-style: chr6-33186733-C-T. GRCh37 (hg19) VCF-style: chr6-33154510-C-T.
Other names: c.692G>A (NM_080680.2); c.692G>A, p.Gly231Asp (NM_001163771.2, NM_080679.3, NM_080681.3); short protein forms G231D.
Identifiers: ClinVar variation 1021534 (VCV001021534.10), dbSNP rs769697511, ClinGen allele CA3751594.

ClinVar aggregate classification (germline): Conflicting classifications of pathogenicity. Review status: criteria provided, conflicting classifications (1 of 4 stars). 3 submissions from 3 submitters: Uncertain significance (2); Likely benign (1). Last evaluated 2025-07-17.

Allele frequency attached by ClinVar (database versions not stated): gnomAD 0.00001; TOPMed 0.00001; ExAC 0.00001.
gnomAD v4.1: 10 of 1,613,968 alleles (0.00062%); highest among the groups gnomAD compares: Admixed American, 0.013%; no homozygotes.

Submissions (3):

GeneDx
Classification: Uncertain significance. Last evaluated: 2025-07-17. Review status: criteria provided, single submitter. Criteria: GeneDx Variant Classification Process June 2021. Collection method: clinical testing. Allele origin: germline.
Comment: Not observed at significant frequency in large population cohorts (gnomAD); In silico analysis indicates that this missense variant does not alter protein structure/function; Has not been previously published as pathogenic or benign to our knowledge

ARUP Laboratories, Molecular Genetics and Genomics, ARUP Laboratories
Classification: Uncertain significance. Last evaluated: 2025-05-08. Review status: criteria provided, single submitter. Criteria: ARUP Molecular Germline Variant Investigation Process 2024. Collection method: clinical testing. Allele origin: germline.
Comment: The COL11A2 c.692G>A; p.Gly231Asp variant (rs769697511), to our knowledge, is not reported in the medical literature but is reported in ClinVar (Variation ID: 1021534). This variant is found in the Admixed American population with an allele frequency of 0.01% (5/34590 alleles) in the Genome Aggregation Database (v2.1.1). Computational analyses predict that this variant is neutral (REVEL: 0.05). Due to limited information, the clinical significance of this variant is uncertain at this time.

Labcorp Genetics (formerly Invitae), Labcorp
Classification: Likely benign. Last evaluated: 2025-04-21. Review status: criteria provided, single submitter. Criteria: Invitae Variant Classification Sherloc (09022015). Collection method: clinical testing. Allele origin: germline.